The following is an entry in ClinVar:

NM_006096.4(NDRG1):c.*711C>T

Gene: NDRG1 (N-myc downstream regulated 1; minus strand). Cytogenetic location: 8q24.22.
Variant type: single nucleotide variant.
Coding change: c.*711C>T on transcript NM_006096.4 (MANE Select); 711 bases downstream of the stop codon, C replaced by T.
Molecular consequence: 3 prime UTR variant.
Genome position (GRCh38, 1-based): chr8:133,238,167, G>A on the plus strand (C>T on the coding strand, the complement: NDRG1 is on the minus strand). VCF-style: chr8-133238167-G-A. GRCh37 (hg19) VCF-style: chr8-134250410-G-A.
Other names: c.*711C>T (NM_001135242.2, NM_001258432.2, NM_001258433.2 and 4 more transcripts).
Identifiers: ClinVar variation 362018 (VCV000362018.5), dbSNP rs16904866, ClinGen allele CA10630354.

ClinVar aggregate classification (germline): Benign (1 of 4 stars; one submission).

Conditions:
Charcot-Marie-Tooth disease type 4D. Also called: CHARCOT-MARIE-TOOTH DISEASE, DEMYELINATING, AUTOSOMAL RECESSIVE, TYPE 4D; NEUROPATHY, HEREDITARY MOTOR AND SENSORY, LOM TYPE; Charcot-Marie-Tooth Neuropathy Type 4D; CHARCOT-MARIE-TOOTH DISEASE, DEMYELINATING, TYPE 4D. Identifiers: Orphanet 99950, MedGen C1832334, MONDO:0011085, OMIM 601455.

Allele frequency attached by ClinVar (database versions not stated): gnomAD exomes 0.00960; gnomAD 0.04540 and 0.04897; 1000 Genomes Project 0.05032; TOPMed 0.05125; 1000 Genomes Project 30x 0.05262.
gnomAD v4.1: 7,671 of 232,960 alleles (3.3%); highest among the groups gnomAD compares: African/African-American, 15%; 541 homozygotes.

Submission:

Illumina Laboratory Services, Illumina
Classification: Benign for Charcot-Marie-Tooth disease type 4D. Last evaluated: 2018-01-13. Review status: criteria provided, single submitter. Criteria: ICSL Variant Classification Criteria 13 December 2019. Collection method: clinical testing. Allele origin: germline.
Comment: This variant was observed in the ICSL laboratory as part of a predisposition screen in an ostensibly healthy population. It had not been previously curated by ICSL or reported in the Human Gene Mutation Database (HGMD: prior to June 1st, 2018), and was therefore a candidate for classification through an automated scoring system. Utilizing variant allele frequency, disease prevalence and penetrance estimates, and inheritance mode, an automated score was calculated to assess if this variant is too frequent to cause the disease. Based on the score and internal cut-off values, a variant classified as benign is not then subjected to further curation. The score for this variant resulted in a classification of benign for this disease.